The following is an entry in ClinVar:

NM_001164508.2(NEB):c.10054_10055delinsT (p.Asp3352fs)

Gene: NEB (nebulin; minus strand). Cytogenetic location: 2q23.3.
Variant type: Indel.
Coding change: c.10054_10055delinsT on transcript NM_001164508.2 (MANE Select); coding-DNA positions 10054 to 10055, GA replaced by T.
Protein change: p.Asp3352fs; shifts the reading frame from aspartic acid 3352.
Molecular consequence: frameshift variant.
Genome position (GRCh38, 1-based): chr2:151,627,611-151,627,612, TC replaced by A on the plus strand (GA replaced by T on the coding strand, the reverse complement: NEB is on the minus strand). VCF-style: chr2-151627611-TC-A. GRCh37 (hg19) VCF-style: chr2-152484125-TC-A.
Other names: c.10054_10055delinsT, p.Asp3352fs (NM_001164507.2, NM_001271208.2); c.9325_9326delinsT, p.Asp3109fs (NM_004543.5); short protein forms D3109fs, D3352fs.
Identifiers: ClinVar variation 1726605 (VCV001726605.2), dbSNP rs2552236659, ClinGen allele CA2580064107.

ClinVar aggregate classification (germline): Likely pathogenic (1 of 4 stars; one submission).

Conditions:
Nemaline myopathy 2 (NEM2). Also called: Nemaline myopathy 2, autosomal recessive. Identifiers: MedGen C1850569, MONDO:0009725, OMIM 256030.

Submission:

Myriad Genetics, Inc.
Classification: Likely pathogenic for Nemaline myopathy 2. Last evaluated: 2021-12-27. Review status: criteria provided, single submitter. Criteria: Myriad Women's Health Autosomal Recessive and X-Linked Classification Criteria (2021). Collection method: clinical testing. Allele origin: unknown.
Comment: NM_001271208.1(NEB):c.10054_10055delGAinsT(D3352Sfs*40) is expected to be pathogenic in the context of NEB-related nemaline myopathy. This variant is predicted to lead to an abnormal or absent protein product due to the creation of a premature termination codon in NEB, a gene where loss-of-function variants are known to be pathogenic. Please note: this variant was assessed in the context of healthy population screening.